The following is an entry in ClinVar:

ClinVar aggregate classification (germline): Uncertain significance. Review status: criteria provided, multiple submitters, no conflicts (2 of 4 stars). 6 submissions from 6 submitters: Uncertain significance (6). Last evaluated 2025-07-29.

Conditions:
DGKE-related disorder. Also called: DGKE-related condition.
Inborn genetic diseases. Identifiers: MedGen C0950123, MeSH D030342.
Atypical hemolytic-uremic syndrome with DGKE deficiency. Also called: Hemolytic uremic syndrome with DGKE deficiency. Identifiers: Orphanet 357008, MedGen C5679921, MONDO:0018159.

Allele frequency attached by ClinVar (database versions not stated): 1000 Genomes Project 30x 0.00016; 1000 Genomes Project 0.00020; gnomAD 0.00042 and 0.00046; ExAC 0.00048; TOPMed 0.00053; ESP Exome Variant Server 0.00054; gnomAD exomes 0.00055 and 0.00101.
gnomAD v4.1: 1,513 of 1,612,954 alleles (0.094%); highest among the groups gnomAD compares: Non-Finnish European, 0.12%; no homozygotes.

Submissions (6):

PreventionGenetics, part of Exact Sciences
Classification: Uncertain significance for DGKE-related condition. Last evaluated: 2025-07-29. Review status: criteria provided, single submitter. Criteria: ACMG Guidelines, 2015. Collection method: clinical testing. Allele origin: germline.
Comment: The DGKE c.235C>G variant is predicted to result in the amino acid substitution p.Gln79Glu. To our knowledge, this variant has not been reported in the literature. This variant is reported in 0.11% of alleles in individuals of European (Non-Finnish) descent in gnomAD. Although we suspect that this variant may be benign, at this time, the clinical significance of this variant is uncertain due to the absence of conclusive functional and genetic evidence.

Mayo Clinic Laboratories, Mayo Clinic
Classification: Uncertain significance. Last evaluated: 2025-03-12. Review status: criteria provided, single submitter. Criteria: ACMG Guidelines, 2015. Collection method: clinical testing. Allele origin: germline. Observed: 6 variant alleles.
Comment: BS1

Blueprint Genetics
Classification: Uncertain significance. Last evaluated: 2024-11-11. Review status: criteria provided, single submitter. Criteria: ACMG Guidelines, 2015. Collection method: clinical testing. Allele origin: germline.

Clinical Genomics Laboratory, Washington University in St. Louis
Classification: Uncertain significance for Hemolytic uremic syndrome with DGKE deficiency. Last evaluated: 2023-10-27. Review status: criteria provided, single submitter. Criteria: ACMG Guidelines, 2015. Collection method: clinical testing. Allele origin: germline.
Comment: The DGKE c.235C>G (p.Gln79Glu) variant was identified in a heterozygous state. To our knowledge, this variant has not been reported in the medical literature and is only observed on 64/152,236 alleles in the general population (gnomAD v2.1.1). The variant has been reported in the ClinVar database as a variant of uncertain clinical significance by three laboratories (ClinVar Variation ID: 1163610). Computational predictors are uncertain as to the impact of this variant on DGKE function. Due to limited information, and based on ACMG/AMP guidelines for variant interpretation (Richards S et al., PMID: 25741868), the clinical significance of the DGKE c.235C>G (p.Gln79Glu) variant is uncertain at this time.

Labcorp Genetics (formerly Invitae), Labcorp
Classification: Uncertain significance. Last evaluated: 2022-06-12. Review status: criteria provided, single submitter. Criteria: Invitae Variant Classification Sherloc (09022015). Collection method: clinical testing. Allele origin: germline.
Comment: This sequence change replaces glutamine, which is neutral and polar, with glutamic acid, which is acidic and polar, at codon 79 of the DGKE protein (p.Gln79Glu). This variant is present in population databases (rs143468147, gnomAD 0.1%), and has an allele count higher than expected for a pathogenic variant. This variant has not been reported in the literature in individuals affected with DGKE-related conditions. ClinVar contains an entry for this variant (Variation ID: 1163610). Algorithms developed to predict the effect of missense changes on protein structure and function are either unavailable or do not agree on the potential impact of this missense change (SIFT: "Tolerated"; PolyPhen-2: "Possibly Damaging"; Align-GVGD: "Class C0"). In summary, the available evidence is currently insufficient to determine the role of this variant in disease. Therefore, it has been classified as a Variant of Uncertain Significance.

Ambry Genetics
Classification: Uncertain significance for Inborn genetic diseases. Last evaluated: 2021-09-17. Review status: criteria provided, single submitter. Criteria: Ambry Variant Classification Scheme 2023. Collection method: clinical testing. Allele origin: germline.

Literature cited by the submitters: PubMed 29500241 (cited by Mayo Clinic Laboratories, Mayo Clinic).

NM_003647.3(DGKE):c.235C>G (p.Gln79Glu)

Gene: DGKE (diacylglycerol kinase epsilon; plus strand). Cytogenetic location: 17q22.
Variant type: single nucleotide variant.
Coding change: c.235C>G on transcript NM_003647.3 (MANE Select); coding-DNA position 235, C replaced by G.
Protein change: p.Gln79Glu; replaces glutamine 79 with glutamic acid.
Molecular consequence: missense variant.
Genome position (GRCh38, 1-based): chr17:56,835,030, C>G. VCF-style: chr17-56835030-C-G. GRCh37 (hg19) VCF-style: chr17-54912391-C-G.
Other names: short protein forms Q79E.
Identifiers: ClinVar variation 1163610 (VCV001163610.11), dbSNP rs143468147, ClinGen allele CA8663459.